The following is an entry in ClinVar:

ClinVar aggregate classification (germline): Benign (0 of 4 stars; one submission).

Conditions:
NLRP2-related disorder. Also called: NLRP2-related condition.

Allele frequency attached by ClinVar (database versions not stated): ExAC 0.00215; 1000 Genomes Project 0.00559; 1000 Genomes Project 30x 0.00625; gnomAD 0.00630; TOPMed 0.00702; ESP Exome Variant Server 0.00723.

Submission:

PreventionGenetics, part of Exact Sciences
Classification: Benign for NLRP2-related condition. Last evaluated: 2019-11-14. Review status: no assertion criteria provided. Collection method: clinical testing. Allele origin: germline.
Comment: This variant is classified as benign based on ACMG/AMP sequence variant interpretation guidelines (Richards et al. 2015 PMID: 25741868, with internal and published modifications).

NM_017852.5(NLRP2):c.72C>G (p.Ser24Arg)

Gene: NLRP2 (NLR family pyrin domain containing 2; plus strand). Cytogenetic location: 19q13.42.
Variant type: single nucleotide variant.
Coding change: c.72C>G on transcript NM_017852.5 (MANE Select); coding-DNA position 72, C replaced by G.
Protein change: p.Ser24Arg; replaces serine 24 with arginine.
Molecular consequence: missense variant. On other transcripts: non-coding transcript variant (1).
Genome position (GRCh38, 1-based): chr19:54,970,087, C>G. VCF-style: chr19-54970087-C-G. GRCh37 (hg19) VCF-style: chr19-55481455-C-G.
Other names: c.72C>G, p.Ser24Arg (NM_001174081.3, NM_001174082.3, NM_001174083.2 and 1 more transcripts); short protein forms S24R.
Identifiers: ClinVar variation 3039591 (VCV003039591.2), dbSNP rs75678776, ClinGen allele CA310058880.